The following is an entry in ClinVar:

NM_080911.3(UNG):c.47_73del (p.Ala16_Pro24del)

Gene: UNG (uracil DNA glycosylase; plus strand). Cytogenetic location: 12q24.11.
Variant type: Deletion.
Coding change: c.47_73del on transcript NM_080911.3 (MANE Select); coding-DNA positions 47 to 73, 27 bases deleted (CCAGGAAGCGACACGCCCCCAGCCCCG).
Protein change: p.Ala16_Pro24del.
Molecular consequence: inframe deletion.
Genome position (GRCh38, 1-based): chr12:109,097,726-109,097,752, CCAGGAAGCGACACGCCCCCAGCCCCG deleted; deleting any 27 consecutive bases within chr12:109,097,714-109,097,752 gives the same sequence; the c. name uses the placement nearest the transcript's 3' end. VCF-style (leftmost placement, unchanged base first): chr12-109097713-TCCCCCAGCCCCGCCAGGAAGCGACACG-T. GRCh37 (hg19) VCF-style: chr12-109535518-TCCCCCAGCCCCGCCAGGAAGCGACACG-T.
Identifiers: ClinVar variation 1347471 (VCV001347471.8), dbSNP rs1426059529, ClinGen allele CA607270842.
Genomic context (GRCh38, chr12:109,097,713, plus strand): 5'-CGCGTTCGCTGCCTCCTCAGCTCCAGGATGATCGGCCAGAAGACGCTCTACTCCTTTTTC[TCCCCCAGCCCCGCCAGGAAGCGACACG>T]CCCCCAGCCCCGAGCCGGCCGTCCAGGGGACCGGCGTGGCTGGGGTGCCTGAGGAAAGCG-3'

ClinVar aggregate classification (germline): Uncertain significance (1 of 4 stars; one submission).

Conditions:
Hyper-IgM syndrome type 5 (HIGM5). Also called: Hyper-IgM Immunodeficiency Syndrome, Type 5. Identifiers: Orphanet 101092, MedGen C1720958, MONDO:0011971, OMIM 608106.

Submission:

Labcorp Genetics (formerly Invitae), Labcorp
Classification: Uncertain significance for Hyper-IgM syndrome type 5. Last evaluated: 2021-01-06. Review status: criteria provided, single submitter. Criteria: Invitae Variant Classification Sherloc (09022015). Collection method: clinical testing. Allele origin: germline.
Comment: This variant, c.47_73del, results in the deletion of 9 amino acid(s) of the UNG protein (p.Ala16_Pro24del), but otherwise preserves the integrity of the reading frame. This variant is not present in population databases (ExAC no frequency). In summary, the available evidence is currently insufficient to determine the role of this variant in disease. Therefore, it has been classified as a Variant of Uncertain Significance. Experimental studies and prediction algorithms are not available or were not evaluated, and the functional significance of this variant is currently unknown. This variant has not been reported in the literature in individuals with UNG-related conditions.